The following is an entry in ClinVar:

NM_000155.4(GALT):c.662A>G (p.Tyr221Cys)

Gene: GALT (galactose-1-phosphate uridylyltransferase; plus strand). Cytogenetic location: 9p13.3.
Variant type: single nucleotide variant.
Coding change: c.662A>G on transcript NM_000155.4 (MANE Select); coding-DNA position 662, A replaced by G.
Protein change: p.Tyr221Cys; replaces tyrosine 221 with cysteine.
Molecular consequence: missense variant.
Genome position (GRCh38, 1-based): chr9:34,648,431, A>G. VCF-style: chr9-34648431-A-G. GRCh37 (hg19) VCF-style: chr9-34648428-A-G.
Other names: c.335A>G, p.Tyr112Cys (NM_001258332.2); short protein forms Y221C, Y112C.
Identifiers: ClinVar variation 3705371 (VCV003705371.2).

ClinVar aggregate classification (germline): Uncertain significance (1 of 4 stars; one submission).

Conditions:
Deficiency of UDPglucose-hexose-1-phosphate uridylyltransferase. Also called: GALT deficiency; Galactosemia, classic; Transferase Deficiency Galactosemia; GALACTOSE-1-PHOSPHATE URIDYLYLTRANSFERASE DEFICIENCY; GALACTOSEMIA I. Identifiers: Orphanet 352, Orphanet 79239, MedGen C0268151, MONDO:0009258, OMIM 230400.

gnomAD v4.1: 1 of 1,614,196 alleles (0.000062%); highest among the groups gnomAD compares: Non-Finnish European, 0.000085%; no homozygotes.

Submission:

Labcorp Genetics (formerly Invitae), Labcorp
Classification: Uncertain significance for Deficiency of UDPglucose-hexose-1-phosphate uridylyltransferase. Last evaluated: 2024-09-03. Review status: criteria provided, single submitter. Criteria: Invitae Variant Classification Sherloc (09022015). Collection method: clinical testing. Allele origin: germline.
Comment: This sequence change replaces tyrosine, which is neutral and polar, with cysteine, which is neutral and slightly polar, at codon 221 of the GALT protein (p.Tyr221Cys). This variant is not present in population databases (gnomAD no frequency). This variant has not been reported in the literature in individuals affected with GALT-related conditions. Invitae Evidence Modeling of protein sequence and biophysical properties (such as structural, functional, and spatial information, amino acid conservation, physicochemical variation, residue mobility, and thermodynamic stability) indicates that this missense variant is expected to disrupt GALT protein function with a positive predictive value of 95%. In summary, the available evidence is currently insufficient to determine the role of this variant in disease. Therefore, it has been classified as a Variant of Uncertain Significance.